The following is an entry in ClinVar:

ClinVar aggregate classification (germline): Uncertain significance (1 of 4 stars; one submission).

Conditions:
Nephronophthisis. Also called: Juvenile Nephronophthisis. Identifiers: Orphanet 655, MedGen C0687120, MONDO:0019005, HP:0000090.

Allele frequency attached by ClinVar (database versions not stated): gnomAD exomes below 0.00001; TOPMed below 0.00001.
gnomAD v4.1: 1 of 1,595,020 alleles (0.000063%); highest among the groups gnomAD compares: Admixed American, 0.0017%; no homozygotes.

Submission:

Labcorp Genetics (formerly Invitae), Labcorp
Classification: Uncertain significance for Nephronophthisis. Last evaluated: 2022-10-13. Review status: criteria provided, single submitter. Criteria: Invitae Variant Classification Sherloc (09022015). Collection method: clinical testing. Allele origin: germline.
Comment: This sequence change affects codon 603 of the NPHP1 mRNA. It is a 'silent' change, meaning that it does not change the encoded amino acid sequence of the NPHP1 protein. It affects a nucleotide within the consensus splice site. This variant is not present in population databases (gnomAD no frequency). This variant has not been reported in the literature in individuals affected with NPHP1-related conditions. Algorithms developed to predict the effect of sequence changes on RNA splicing suggest that this variant is not likely to affect RNA splicing. In summary, the available evidence is currently insufficient to determine the role of this variant in disease. Therefore, it has been classified as a Variant of Uncertain Significance.

NM_001128178.3(NPHP1):c.1641T>C (p.Thr547=)

Gene: NPHP1 (nephrocystin 1; minus strand). Cytogenetic location: 2q13.
Variant type: single nucleotide variant.
Coding change: c.1641T>C on transcript NM_001128178.3 (MANE Select); coding-DNA position 1641, T replaced by C.
Protein change: p.Thr547=; no amino-acid change (threonine 547 retained).
Molecular consequence: synonymous variant.
Genome position (GRCh38, 1-based): chr2:110,131,680, A>G on the plus strand (T>C on the coding strand, the complement: NPHP1 is on the minus strand). VCF-style: chr2-110131680-A-G. GRCh37 (hg19) VCF-style: chr2-110889257-A-G.
Other names: c.1809T>C, p.Thr603= (NM_000272.5); c.1452T>C, p.Thr484= (NM_001128179.3); c.1638T>C, p.Thr546= (NM_001374256.1); c.1641T>C, p.Thr547= (NM_001374257.1); c.1806T>C, p.Thr602= (NM_207181.4).
Identifiers: ClinVar variation 1905605 (VCV001905605.2), dbSNP rs773486730, ClinGen allele CA427921576.